The following is an entry in ClinVar:

ClinVar aggregate classification (germline): Uncertain significance (1 of 4 stars; one submission).

Allele frequency attached by ClinVar (database versions not stated): gnomAD exomes below 0.00001.
gnomAD v4.1: 1 of 1,611,256 alleles (0.000062%); highest among the groups gnomAD compares: African/African-American, 0.0013%; no homozygotes.

Submission:

GeneDx
Classification: Uncertain significance. Last evaluated: 2019-04-22. Review status: criteria provided, single submitter. Criteria: GeneDx Variant Classification Process June 2021. Collection method: clinical testing. Allele origin: germline. Affected: yes.
Comment: Not observed in large population cohorts (Lek et al., 2016); In silico analysis, which includes protein predictors and evolutionary conservation, supports a deleterious effect; Has not been previously published as pathogenic or benign to our knowledge; Variants in candidate genes are classified as variants of uncertain significance in accordance with ACMG guidelines (Richards et al., 2015)

NM_001346249.2(RALGAPA1):c.458G>T (p.Cys153Phe)

Gene: RALGAPA1 (Ral GTPase activating protein catalytic subunit alpha 1; minus strand). Cytogenetic location: 14q13.2.
Variant type: single nucleotide variant.
Coding change: c.458G>T on transcript NM_001346249.2 (MANE Select); coding-DNA position 458, G replaced by T.
Protein change: p.Cys153Phe; replaces cysteine 153 with phenylalanine.
Molecular consequence: missense variant.
Genome position (GRCh38, 1-based): chr14:35,760,918, C>A on the plus strand (G>T on the coding strand, the complement: RALGAPA1 is on the minus strand). VCF-style: chr14-35760918-C-A. GRCh37 (hg19) VCF-style: chr14-36230124-C-A.
Other names: c.458G>T, p.Cys153Phe (NM_001283043.3, NM_001283044.3, NM_001330075.3 and 7 more transcripts); short protein forms C153F.
Identifiers: ClinVar variation 1305203 (VCV001305203.2), dbSNP rs371589913, ClinGen allele CA389495670.